The following is an entry in ClinVar:

ClinVar aggregate classification (germline): Conflicting classifications of pathogenicity. Review status: criteria provided, conflicting classifications (1 of 4 stars). 4 submissions from 4 submitters: Uncertain significance (1); Likely benign (3). Last evaluated 2026-08-01.

Conditions:
Autoinflammatory syndrome, familial, Behcet-like 1 (AIFBL1). Also called: Haploinsufficiency of A20. Identifiers: Orphanet 674762, MedGen C4225218, MONDO:0800045, OMIM 616744.

Allele frequency attached by ClinVar (database versions not stated): gnomAD 0.00011 and 0.00012; ESP Exome Variant Server 0.00023.
gnomAD v4.1: 297 of 1,607,914 alleles (0.018%); highest among the groups gnomAD compares: Non-Finnish European, 0.024%; no homozygotes.

Submissions (4):

CeGaT Center for Human Genetics Tuebingen
Classification: Likely benign. Last evaluated: 2026-08-01. Review status: criteria provided, single submitter. Criteria: CeGaT Center For Human Genetics Tuebingen Variant Classification Criteria Version 2. Collection method: clinical testing. Allele origin: germline. Affected: yes. Observed: 1 variant allele.
Comment: TNFAIP3: BP4

Women's Health and Genetics/Laboratory Corporation of America, LabCorp
Classification: Likely benign. Last evaluated: 2026-06-09. Review status: criteria provided, single submitter. Criteria: LabCorp Variant Classification Summary - May 2015. Collection method: clinical testing. Allele origin: germline.
Comment: Variant summary: TNFAIP3 c.2282G>A (p.Arg761His) results in a non-conservative amino acid change in the encoded protein sequence. Algorithms developed to predict the effect of missense changes on protein structure and function are either unavailable or do not agree on the potential impact of this missense change. The variant allele was found at a frequency of 7.4e-05 in 242806 control chromosomes. The observed variant frequency exceeds the estimated maximal expected allele frequency for disease-causing variants in TNFAIP3. To our knowledge, no occurrence of c.2282G>A in individuals affected with TNFAIP3-related conditions and no experimental evidence demonstrating its impact on protein function have been reported. ClinVar contains an entry for this variant (Variation ID: 1429254). Based on the evidence outlined above, the variant was classified as likely benign.

Labcorp Genetics (formerly Invitae), Labcorp
Classification: Likely benign. Last evaluated: 2025-08-24. Review status: criteria provided, single submitter. Criteria: Invitae Variant Classification Sherloc (09022015). Collection method: clinical testing. Allele origin: germline.

Department of Pathology and Laboratory Medicine, Sinai Health System
Classification: Uncertain significance for Autoinflammatory syndrome, familial, Behcet-like 1. Last evaluated: 2021-07-30. Review status: criteria provided, single submitter. Criteria: ACMG Guidelines, 2015. Collection method: research. Allele origin: germline.

NM_001270508.2(TNFAIP3):c.2282G>A (p.Arg761His)

Gene: TNFAIP3 (TNF alpha induced protein 3; plus strand). Cytogenetic location: 6q23.3.
Variant type: single nucleotide variant.
Coding change: c.2282G>A on transcript NM_001270508.2 (MANE Select); coding-DNA position 2282, G replaced by A.
Protein change: p.Arg761His; replaces arginine 761 with histidine.
Molecular consequence: missense variant.
Genome position (GRCh38, 1-based): chr6:137,881,228, G>A. VCF-style: chr6-137881228-G-A. GRCh37 (hg19) VCF-style: chr6-138202365-G-A.
Other names: c.2282G>A, p.Arg761His (NM_001270507.2, NM_006290.4); short protein forms R761H.
Identifiers: ClinVar variation 1429254 (VCV001429254.9), dbSNP rs368859219, ClinGen allele CA4019837.